The following is an entry in ClinVar:

NM_000535.7(PMS2):c.287C>T (p.Ala96Val)

Gene: PMS2 (PMS1 homolog 2, mismatch repair system component; minus strand). Cytogenetic location: 7p22.1.
Variant type: single nucleotide variant.
Coding change: c.287C>T on transcript NM_000535.7 (MANE Select); coding-DNA position 287, C replaced by T.
Protein change: p.Ala96Val; replaces alanine 96 with valine.
Molecular consequence: missense variant. On other transcripts: 5 prime UTR variant (9), non-coding transcript variant (1), intron variant (2).
Genome position (GRCh38, 1-based): chr7:6,003,756, G>A on the plus strand (C>T on the coding strand, the complement: PMS2 is on the minus strand). VCF-style: chr7-6003756-G-A. GRCh37 (hg19) VCF-style: chr7-6043387-G-A.
Other names: c.-119C>T (NM_001322003.2, NM_001322004.2, NM_001322005.2 and 3 more transcripts); c.287C>T, p.Ala96Val (NM_001322006.2, NM_001322014.2); c.-598C>T (NM_001322011.2, NM_001322012.2); c.-198C>T (NM_001322015.2); c.35+216C>T (NM_001322008.2, NM_001322007.2); short protein forms A96V.
Identifiers: ClinVar variation 821942 (VCV000821942.4), dbSNP rs1583408790, ClinGen allele CA366744651.

ClinVar aggregate classification (germline): Uncertain significance (1 of 4 stars; one submission).

Conditions:
Hereditary cancer-predisposing syndrome. Also called: Tumor predisposition; Hereditary Cancer Syndrome; Neoplastic Syndromes, Hereditary; Hereditary neoplastic syndrome. Identifiers: Orphanet 140162, MedGen C0027672, MeSH D009386, MONDO:0015356.

Submission:

Ambry Genetics
Classification: Uncertain significance for Hereditary cancer-predisposing syndrome. Last evaluated: 2020-11-10. Review status: criteria provided, single submitter. Criteria: Ambry Variant Classification Scheme 2023. Collection method: clinical testing. Allele origin: germline.
Comment: The p.A96V variant (also known as c.287C>T), located in coding exon 4 of the PMS2 gene, results from a C to T substitution at nucleotide position 287. The alanine at codon 96 is replaced by valine, an amino acid with similar properties. This amino acid position is not well conserved in available vertebrate species. In addition, this alteration is predicted to be tolerated by in silico analysis. Since supporting evidence is limited at this time, the clinical significance of this alteration remains unclear.